The following is an entry in ClinVar:

ClinVar aggregate classification (germline): Uncertain significance (1 of 4 stars; one submission).

Submission:

GeneDx
Classification: Uncertain significance. Last evaluated: 2025-04-07. Review status: criteria provided, single submitter. Criteria: GeneDx Variant Classification Process June 2021. Collection method: clinical testing. Allele origin: germline. Affected: yes.
Comment: Not observed at significant frequency in large population cohorts (gnomAD); In silico analysis supports that this missense variant has a deleterious effect on protein structure/function; Has not been previously published as pathogenic or benign to our knowledge

NM_004859.4(CLTC):c.2201C>T (p.Ala734Val)

Gene: CLTC (clathrin heavy chain; plus strand). Cytogenetic location: 17q23.1.
Variant type: single nucleotide variant.
Coding change: c.2201C>T on transcript NM_004859.4 (MANE Select); coding-DNA position 2201, C replaced by T.
Protein change: p.Ala734Val; replaces alanine 734 with valine.
Molecular consequence: missense variant.
Genome position (GRCh38, 1-based): chr17:59,668,849, C>T. VCF-style: chr17-59668849-C-T. GRCh37 (hg19) VCF-style: chr17-57746210-C-T.
Other names: c.2213C>T, p.Ala738Val (NM_001288653.2); short protein forms A734V, A738V.
Identifiers: ClinVar variation 4281749 (VCV004281749.1).